The following is an entry in ClinVar:

NM_000455.5(STK11):c.620A>G (p.Asp207Gly)

Gene: STK11 (serine/threonine kinase 11; plus strand). Cytogenetic location: 19p13.3.
Variant type: single nucleotide variant.
Coding change: c.620A>G on transcript NM_000455.5 (MANE Select); coding-DNA position 620, A replaced by G.
Protein change: p.Asp207Gly; replaces aspartic acid 207 with glycine.
Molecular consequence: missense variant.
Genome position (GRCh38, 1-based): chr19:1,220,603, A>G. VCF-style: chr19-1220603-A-G. GRCh37 (hg19) VCF-style: chr19-1220602-A-G.
Other names: short protein forms D207G.
Identifiers: ClinVar variation 527820 (VCV000527820.17), dbSNP rs1555738370, ClinGen allele CA402949472.

ClinVar aggregate classification (germline): Uncertain significance. Review status: criteria provided, multiple submitters, no conflicts (2 of 4 stars). 6 submissions from 6 submitters: Uncertain significance (6). Last evaluated 2024-06-07.

Conditions:
Hereditary cancer-predisposing syndrome. Also called: Neoplastic Syndromes, Hereditary; Tumor predisposition; Hereditary neoplastic syndrome; Hereditary Cancer Syndrome. Identifiers: Orphanet 140162, MedGen C0027672, MeSH D009386, MONDO:0015356.
Peutz-Jeghers syndrome (PJS). Also called: POLYPOSIS, HAMARTOMATOUS INTESTINAL; POLYPS-AND-SPOTS SYNDROME; Peutz-Jeghers polyposis; Periorificial lentiginosis syndrome. Identifiers: Orphanet 2869, MedGen C0031269, MeSH D010580, MONDO:0008280, OMIM 175200.

Allele frequency attached by ClinVar (database versions not stated): gnomAD 0.00001; 1000 Genomes Project 30x 0.00016.
gnomAD v4.1: 5 of 1,594,612 alleles (0.00031%); highest among the groups gnomAD compares: Non-Finnish European, 0.00043%; no homozygotes.

Submissions (6):

Molecular Pathology, Peter Maccallum Cancer Centre
Classification: Uncertain significance for Peutz-Jeghers syndrome. Last evaluated: 2024-06-07. Review status: criteria provided, single submitter. Criteria: ACMG Guidelines, 2015. Collection method: clinical testing. Allele origin: germline. Inheritance: Autosomal dominant inheritance.

All of Us Research Program, National Institutes of Health
Classification: Uncertain significance for Peutz-Jeghers syndrome. Last evaluated: 2023-09-17. Review status: criteria provided, single submitter. Criteria: ACMG Guidelines, 2015. Collection method: clinical testing. Allele origin: germline. Inheritance: Autosomal dominant inheritance. Observed: 1 variant allele, 1 heterozygote.
Comment: This missense variant replaces aspartic acid with glycine at codon 207 of the STK11 protein. Computational prediction suggests that this variant may not impact protein structure and function (internally defined REVEL score threshold <= 0.5, PMID: 27666373). To our knowledge, functional studies have not been reported for this variant. This variant has not been reported in individuals affected with STK11-related disorders in the literature. This variant has not been identified in the general population by the Genome Aggregation Database (gnomAD). The available evidence is insufficient to determine the role of this variant in disease conclusively. Therefore, this variant is classified as a Variant of Uncertain Significance.

This study involves interpretation of variants in research participants for the purpose of population health screening. Participant phenotype was not available at the time of variant classification. Additional details can be found in publication PMID: 35346344, PMCID: PMC8962531

Color Diagnostics, LLC DBA Color Health
Classification: Uncertain significance for Hereditary cancer-predisposing syndrome. Last evaluated: 2023-08-17. Review status: criteria provided, single submitter. Criteria: ACMG Guidelines, 2015. Collection method: clinical testing. Allele origin: germline.
Comment: This missense variant replaces aspartic acid with glycine at codon 207 of the STK11 protein. Computational prediction suggests that this variant may not impact protein structure and function (internally defined REVEL score threshold <= 0.5, PMID: 27666373). To our knowledge, functional studies have not been reported for this variant. This variant has not been reported in individuals affected with STK11-related disorders in the literature. This variant has not been identified in the general population by the Genome Aggregation Database (gnomAD). The available evidence is insufficient to determine the role of this variant in disease conclusively. Therefore, this variant is classified as a Variant of Uncertain Significance.

Labcorp Genetics (formerly Invitae), Labcorp
Classification: Uncertain significance for Peutz-Jeghers syndrome. Last evaluated: 2022-09-10. Review status: criteria provided, single submitter. Criteria: Invitae Variant Classification Sherloc (09022015). Collection method: clinical testing. Allele origin: germline.
Comment: ClinVar contains an entry for this variant (Variation ID: 527820). This variant has not been reported in the literature in individuals affected with STK11-related conditions. This variant is not present in population databases (gnomAD no frequency). This sequence change replaces aspartic acid, which is acidic and polar, with glycine, which is neutral and non-polar, at codon 207 of the STK11 protein (p.Asp207Gly). Algorithms developed to predict the effect of missense changes on protein structure and function (SIFT, PolyPhen-2, Align-GVGD) all suggest that this variant is likely to be tolerated. In summary, the available evidence is currently insufficient to determine the role of this variant in disease. Therefore, it has been classified as a Variant of Uncertain Significance.

Genome-Nilou Lab
Classification: Uncertain significance for Peutz-Jeghers syndrome. Last evaluated: 2021-07-15. Review status: criteria provided, single submitter. Criteria: ACMG Guidelines, 2015. Collection method: clinical testing. Allele origin: germline. Affected: no.

GeneDx
Classification: Uncertain significance. Last evaluated: 2019-05-22. Review status: criteria provided, single submitter. Criteria: GeneDx Variant Classification Process June 2021. Collection method: clinical testing. Allele origin: germline. Affected: yes.
Comment: Not observed in large population cohorts (Lek et al., 2016); In silico analysis, which includes protein predictors and evolutionary conservation, supports a deleterious effect; Has not been previously published as pathogenic or benign to our knowledge